The following is an entry in ClinVar:

NM_002637.4(PHKA1):c.199C>T (p.Arg67Trp)

Gene: PHKA1 (phosphorylase kinase regulatory subunit alpha 1; minus strand). Cytogenetic location: Xq13.1.
Variant type: single nucleotide variant.
Coding change: c.199C>T on transcript NM_002637.4 (MANE Select); coding-DNA position 199, C replaced by T.
Protein change: p.Arg67Trp; replaces arginine 67 with tryptophan.
Molecular consequence: missense variant.
Genome position (GRCh38, 1-based): chrX:72,712,817, G>A on the plus strand (C>T on the coding strand, the complement: PHKA1 is on the minus strand). VCF-style: chrX-72712817-G-A. GRCh37 (hg19) VCF-style: chrX-71932659-G-A.
Other names: c.199C>T, p.Arg67Trp (NM_001122670.2, NM_001172436.2, NM_001431068.1); short protein forms R67W.
Identifiers: ClinVar variation 3671140 (VCV003671140.2).

ClinVar aggregate classification (germline): Uncertain significance (1 of 4 stars; one submission).

Conditions:
Glycogen storage disease IXd (GSD9D). Also called: GSD IXd; Muscle Phosphorylase Kinase Deficiency. Identifiers: Orphanet 715, MedGen C1845151, MONDO:0010362, OMIM 300559.

gnomAD v4.1: 39 of 1,207,229 alleles (0.0032%); highest among the groups gnomAD compares: East Asian, 0.0089%; no homozygotes.

Submission:

Labcorp Genetics (formerly Invitae), Labcorp
Classification: Uncertain significance for Glycogen storage disease IXd. Last evaluated: 2024-12-21. Review status: criteria provided, single submitter. Criteria: Invitae Variant Classification Sherloc (09022015). Collection method: clinical testing. Allele origin: germline.
Comment: This sequence change replaces arginine, which is basic and polar, with tryptophan, which is neutral and slightly polar, at codon 67 of the PHKA1 protein (p.Arg67Trp). This variant is present in population databases (rs148540646, gnomAD 0.004%). This variant has not been reported in the literature in individuals affected with PHKA1-related conditions. Invitae Evidence Modeling of protein sequence and biophysical properties (such as structural, functional, and spatial information, amino acid conservation, physicochemical variation, residue mobility, and thermodynamic stability) indicates that this missense variant is expected to disrupt PHKA1 protein function with a positive predictive value of 80%. In summary, the available evidence is currently insufficient to determine the role of this variant in disease. Therefore, it has been classified as a Variant of Uncertain Significance.